The following is an entry in ClinVar:

NM_004818.3(DDX23):c.2128C>T (p.Leu710Phe)

Gene: DDX23 (DEAD-box helicase 23; minus strand). Cytogenetic location: 12q13.12.
Variant type: single nucleotide variant.
Coding change: c.2128C>T on transcript NM_004818.3 (MANE Select); coding-DNA position 2128, C replaced by T.
Protein change: p.Leu710Phe; replaces leucine 710 with phenylalanine.
Molecular consequence: missense variant.
Genome position (GRCh38, 1-based): chr12:48,831,253, G>A on the plus strand (C>T on the coding strand, the complement: DDX23 is on the minus strand). VCF-style: chr12-48831253-G-A. GRCh37 (hg19) VCF-style: chr12-49225036-G-A.
Other names: short protein forms L710F.
Identifiers: ClinVar variation 2401507 (VCV002401507.2), dbSNP rs2498747412, ClinGen allele CA384666707.

ClinVar aggregate classification (germline): Uncertain significance (1 of 4 stars; one submission).

Conditions:
Inborn genetic diseases. Identifiers: MedGen C0950123, MeSH D030342.

Submission:

Ambry Genetics
Classification: Uncertain significance for Inborn genetic diseases. Last evaluated: 2022-05-25. Review status: criteria provided, single submitter. Criteria: Ambry Variant Classification Scheme 2023. Collection method: clinical testing. Allele origin: germline.
Comment: The c.2128C>T (p.L710F) alteration is located in exon 16 (coding exon 15) of the DDX23 gene. This alteration results from a C to T substitution at nucleotide position 2128, causing the leucine (L) at amino acid position 710 to be replaced by a phenylalanine (F). This variant was not reported in population-based cohorts in the Genome Aggregation Database (gnomAD). This amino acid position is highly conserved in available vertebrate species. This missense alteration is located in a region that has a low rate of benign missense variation (Lek, 2016; Firth, 2009). This alteration is predicted to be tolerated by in silico analysis. Based on insufficient or conflicting evidence, the clinical significance of this alteration remains unclear.